The following is an entry in ClinVar:

ClinVar aggregate classification (germline): Uncertain significance. Review status: criteria provided, multiple submitters, no conflicts (2 of 4 stars). 4 submissions from 4 submitters: Uncertain significance (4). Last evaluated 2025-09-10.

Conditions:
Fanconi anemia complementation group P. Also called: SLX4-Related Fanconi Anemia. Identifiers: Orphanet 84, MedGen C3469542, MONDO:0013499, OMIM 613951.
Fanconi anemia (FA). Also called: Fanconi's anemia. Identifiers: Orphanet 84, MedGen C0015625, MeSH D005199, MONDO:0019391.

Allele frequency attached by ClinVar (database versions not stated): gnomAD exomes 0.00001 and 0.00002; ExAC 0.00002; TOPMed 0.00005; gnomAD 0.00008; 1000 Genomes Project 30x 0.00016; 1000 Genomes Project 0.00020.
gnomAD v4.1: 40 of 1,614,162 alleles (0.0025%); highest among the groups gnomAD compares: African/African-American, 0.016%; no homozygotes.

Submissions (4):

Genomic Medicine Center of Excellence, King Faisal Specialist Hospital and Research Centre
Classification: Uncertain significance for Fanconi anemia complementation group P. Last evaluated: 2025-09-10. Review status: criteria provided, single submitter. Criteria: ACMG Guidelines, 2015. Collection method: clinical testing. Allele origin: germline.

Labcorp Genetics (formerly Invitae), Labcorp
Classification: Uncertain significance for Fanconi anemia. Last evaluated: 2024-11-02. Review status: criteria provided, single submitter. Criteria: Invitae Variant Classification Sherloc (09022015). Collection method: clinical testing. Allele origin: germline.
Comment: This sequence change replaces threonine, which is neutral and polar, with methionine, which is neutral and non-polar, at codon 1561 of the SLX4 protein (p.Thr1561Met). This variant is present in population databases (rs543847606, gnomAD 0.02%). This variant has not been reported in the literature in individuals affected with SLX4-related conditions. ClinVar contains an entry for this variant (Variation ID: 807969). An algorithm developed to predict the effect of missense changes on protein structure and function (PolyPhen-2) suggests that this variant is likely to be disruptive. In summary, the available evidence is currently insufficient to determine the role of this variant in disease. Therefore, it has been classified as a Variant of Uncertain Significance.

Fulgent Genetics
Classification: Uncertain significance for Fanconi anemia complementation group P. Last evaluated: 2024-06-03. Review status: criteria provided, single submitter. Criteria: ACMG Guidelines, 2015. Collection method: clinical testing. Allele origin: germline.

Blueprint Genetics
Classification: Uncertain significance. Last evaluated: 2023-08-25. Review status: criteria provided, single submitter. Criteria: ACMG Guidelines, 2015. Collection method: clinical testing. Allele origin: germline.

NM_032444.4(SLX4):c.4682C>T (p.Thr1561Met)

Gene: SLX4 (SLX4 structure-specific endonuclease subunit; minus strand). Cytogenetic location: 16p13.3.
Variant type: single nucleotide variant.
Coding change: c.4682C>T on transcript NM_032444.4 (MANE Select); coding-DNA position 4682, C replaced by T.
Protein change: p.Thr1561Met; replaces threonine 1561 with methionine.
Molecular consequence: missense variant.
Genome position (GRCh38, 1-based): chr16:3,584,826, G>A on the plus strand (C>T on the coding strand, the complement: SLX4 is on the minus strand). VCF-style: chr16-3584826-G-A. GRCh37 (hg19) VCF-style: chr16-3634827-G-A.
Other names: short protein forms T1561M.
Identifiers: ClinVar variation 807969 (VCV000807969.21), dbSNP rs543847606, ClinGen allele CA7865551.